The following is an entry in ClinVar:

ClinVar aggregate classification (germline): Uncertain significance. Review status: criteria provided, multiple submitters, no conflicts (2 of 4 stars). 2 submissions from 2 submitters: Uncertain significance (2). Last evaluated 2025-08-09.

Submissions (2):

Ambry Genetics
Classification: Uncertain significance. Last evaluated: 2025-08-09. Review status: criteria provided, single submitter. Criteria: Ambry Variant Classification Scheme 2023. Collection method: clinical testing. Allele origin: germline.

GeneDx
Classification: Uncertain significance. Last evaluated: 2025-02-24. Review status: criteria provided, single submitter. Criteria: GeneDx Variant Classification Process June 2021. Collection method: clinical testing. Allele origin: germline.
Comment: In silico analysis indicates that this missense variant does not alter protein structure/function; Has not been previously published as pathogenic or benign to our knowledge; Variants in candidate genes are classified as variants of uncertain significance in accordance with ACMG guidelines (PMID: 25741868)

NM_006016.6(CD164):c.319G>A (p.Asp107Asn)

Gene: CD164 (CD164 molecule; minus strand). Cytogenetic location: 6q21.
Variant type: single nucleotide variant.
Coding change: c.319G>A on transcript NM_006016.6 (MANE Select); coding-DNA position 319, G replaced by A.
Protein change: p.Asp107Asn; replaces aspartic acid 107 with asparagine.
Molecular consequence: missense variant.
Genome position (GRCh38, 1-based): chr6:109,377,912, C>T on the plus strand (G>A on the coding strand, the complement: CD164 is on the minus strand). VCF-style: chr6-109377912-C-T. GRCh37 (hg19) VCF-style: chr6-109699115-C-T.
Other names: c.319G>A, p.Asp107Asn (NM_001142401.3, NM_001142402.3, NM_001142403.3 and 1 more transcripts); c.217G>A, p.Asp73Asn (NM_001346500.2); short protein forms D73N, D107N.
Identifiers: ClinVar variation 4222594 (VCV004222594.2).